The following is an entry in ClinVar:

NM_001615.4(ACTG2):c.464A>G (p.Asp155Gly)

Gene: ACTG2 (actin gamma 2, smooth muscle; plus strand). Cytogenetic location: 2p13.1.
Variant type: single nucleotide variant.
Coding change: c.464A>G on transcript NM_001615.4 (MANE Select); coding-DNA position 464, A replaced by G.
Protein change: p.Asp155Gly; replaces aspartic acid 155 with glycine.
Molecular consequence: missense variant.
Genome position (GRCh38, 1-based): chr2:73,913,497, A>G. VCF-style: chr2-73913497-A-G. GRCh37 (hg19) VCF-style: chr2-74140624-A-G.
Other names: c.335A>G, p.Asp112Gly (NM_001199893.2); short protein forms D112G, D155G.
Identifiers: ClinVar variation 3256572 (VCV003256572.1).

ClinVar aggregate classification (germline): Likely pathogenic (1 of 4 stars; one submission).

Conditions:
Megacystis-microcolon-intestinal hypoperistalsis syndrome 5. Identifiers: MedGen C5543636, MONDO:0030329, OMIM 619431.

Submission:

Laboratory of Medical Genetics, National & Kapodistrian University of Athens
Classification: Likely pathogenic for Megacystis-microcolon-intestinal hypoperistalsis syndrome 5. Last evaluated: 2023-06-08. Review status: criteria provided, single submitter. Criteria: ACMG Guidelines, 2015. Collection method: clinical testing. Allele origin: germline. Affected: yes.
Comment: PM2, PP2, PP3, PP4 - Low frequency in gnomAD population databases. In silico prediction tools estimated that the variant could be damaging for the protein function/stracture. Higly relevant to the patient's phenotype.